The following is an entry in ClinVar:

ClinVar aggregate classification (germline): Uncertain significance (1 of 4 stars; one submission).

Conditions:
Myofibrillar myopathy 5. Also called: Filaminopathy (type); FILAMINOPATHY, AUTOSOMAL DOMINANT. Identifiers: Orphanet 171445, MedGen C1836050, MONDO:0012289, OMIM 609524.
Distal myopathy with posterior leg and anterior hand involvement. Also called: WILLIAMS DISTAL MYOPATHY. Identifiers: Orphanet 63273, MedGen C3279722, MONDO:0013550, OMIM 614065.
Hypertrophic cardiomyopathy 26. Also called: Cardiomyopathy, familial hypertrophic, 26. Identifiers: Orphanet 75249, MedGen C4310749, MONDO:0014883, OMIM 617047.

Submission:

Labcorp Genetics (formerly Invitae), Labcorp
Classification: Uncertain significance for Distal myopathy with posterior leg and anterior hand involvement; Myofibrillar myopathy 5; Hypertrophic cardiomyopathy 26. Last evaluated: 2024-01-20. Review status: criteria provided, single submitter. Criteria: Invitae Variant Classification Sherloc (09022015). Collection method: clinical testing. Allele origin: germline.
Comment: This sequence change replaces valine, which is neutral and non-polar, with leucine, which is neutral and non-polar, at codon 1437 of the FLNC protein (p.Val1437Leu). This variant is not present in population databases (gnomAD no frequency). This variant has not been reported in the literature in individuals affected with FLNC-related conditions. ClinVar contains an entry for this variant (Variation ID: 1479431). Advanced modeling of protein sequence and biophysical properties (such as structural, functional, and spatial information, amino acid conservation, physicochemical variation, residue mobility, and thermodynamic stability) has been performed at Invitae for this missense variant, however the output from this modeling did not meet the statistical confidence thresholds required to predict the impact of this variant on FLNC protein function. In summary, the available evidence is currently insufficient to determine the role of this variant in disease. Therefore, it has been classified as a Variant of Uncertain Significance.

NM_001458.5(FLNC):c.4309G>T (p.Val1437Leu)

Gene: FLNC (filamin C; plus strand). Cytogenetic location: 7q32.1.
Variant type: single nucleotide variant.
Coding change: c.4309G>T on transcript NM_001458.5 (MANE Select); coding-DNA position 4309, G replaced by T.
Protein change: p.Val1437Leu; replaces valine 1437 with leucine.
Molecular consequence: missense variant.
Genome position (GRCh38, 1-based): chr7:128,847,717, G>T. VCF-style: chr7-128847717-G-T. GRCh37 (hg19) VCF-style: chr7-128487771-G-T.
Other names: c.4309G>T, p.Val1437Leu (NM_001127487.2); short protein forms V1437L.
Identifiers: ClinVar variation 1479431 (VCV001479431.6), dbSNP rs1445187487, ClinGen allele CA369201120.
Genomic context (GRCh38, chr7:128,847,717, plus strand): 5'-CAGGGCTGGTGGGCAGGGTCTAATGTCCTTCTCCTCACAGGGAGCCCGTTCCGCGTGCCA[G>T]TGAAGGATGTGGTGGACCCTGGGAAGGTGAAGTGCTCAGGGCCAGGGCTGGGGGCTGGTG-3'
Protein context (NP_001449.3, residues 1427-1447): PIPGSPFRVP[Val1437Leu]KDVVDPGKVK